The following is an entry in ClinVar:

ClinVar aggregate classification (germline): Uncertain significance. Review status: criteria provided, multiple submitters, no conflicts (2 of 4 stars). 2 submissions from 2 submitters: Uncertain significance (2). Last evaluated 2025-05-04.

Conditions:
Hereditary cancer-predisposing syndrome. Also called: Neoplastic Syndromes, Hereditary; Hereditary neoplastic syndrome; Tumor predisposition; Hereditary Cancer Syndrome. Identifiers: Orphanet 140162, MedGen C0027672, MeSH D009386, MONDO:0015356.
Bloom syndrome (BLM). Also called: Bloom-Torre-Machacek syndrome. Identifiers: Orphanet 125, MedGen C0005859, MONDO:0008876, OMIM 210900.

Allele frequency attached by ClinVar (database versions not stated): TOPMed 0.00001; gnomAD exomes 0.00002.
gnomAD v4.1: 23 of 1,614,068 alleles (0.0014%); highest among the groups gnomAD compares: Non-Finnish European, 0.0019%; no homozygotes.

Submissions (2):

Labcorp Genetics (formerly Invitae), Labcorp
Classification: Uncertain significance for Bloom syndrome. Last evaluated: 2025-05-04. Review status: criteria provided, single submitter. Criteria: Invitae Variant Classification Sherloc (09022015). Collection method: clinical testing. Allele origin: germline.
Comment: This sequence change replaces serine, which is neutral and polar, with cysteine, which is neutral and slightly polar, at codon 449 of the BLM protein (p.Ser449Cys). This variant is not present in population databases (gnomAD no frequency). This variant has not been reported in the literature in individuals affected with BLM-related conditions. ClinVar contains an entry for this variant (Variation ID: 524761). Invitae Evidence Modeling of protein sequence and biophysical properties (such as structural, functional, and spatial information, amino acid conservation, physicochemical variation, residue mobility, and thermodynamic stability) indicates that this missense variant is not expected to disrupt BLM protein function with a negative predictive value of 80%. In summary, the available evidence is currently insufficient to determine the role of this variant in disease. Therefore, it has been classified as a Variant of Uncertain Significance.

Ambry Genetics
Classification: Uncertain significance for Hereditary cancer-predisposing syndrome. Last evaluated: 2024-01-22. Review status: criteria provided, single submitter. Criteria: Ambry Variant Classification Scheme 2023. Collection method: clinical testing. Allele origin: germline.
Comment: The p.S449C variant (also known as c.1346C>G), located in coding exon 6 of the BLM gene, results from a C to G substitution at nucleotide position 1346. The serine at codon 449 is replaced by cysteine, an amino acid with dissimilar properties. This amino acid position is not well conserved in available vertebrate species. In addition, this alteration is predicted to be tolerated by in silico analysis. Since supporting evidence is limited at this time, the clinical significance of this alteration remains unclear.

NM_000057.4(BLM):c.1346C>G (p.Ser449Cys)

Gene: BLM (BLM RecQ like helicase; plus strand). Cytogenetic location: 15q26.1.
Variant type: single nucleotide variant.
Coding change: c.1346C>G on transcript NM_000057.4 (MANE Select); coding-DNA position 1346, C replaced by G.
Protein change: p.Ser449Cys; replaces serine 449 with cysteine.
Molecular consequence: missense variant.
Genome position (GRCh38, 1-based): chr15:90,760,719, C>G. VCF-style: chr15-90760719-C-G. GRCh37 (hg19) VCF-style: chr15-91303949-C-G.
Other names: c.1346C>G, p.Ser449Cys (NM_001287246.2, NM_001287247.2); c.221C>G, p.Ser74Cys (NM_001287248.2); short protein forms S449C, S74C.
Identifiers: ClinVar variation 524761 (VCV000524761.16), dbSNP rs967698170, ClinGen allele CA274738152.